The following is an entry in ClinVar:

NM_181507.2(HPS5):c.557A>T (p.Asp186Val)

Gene: HPS5 (HPS5 biogenesis of lysosomal organelles complex 2 subunit 2; minus strand). Cytogenetic location: 11p15.1.
Variant type: single nucleotide variant.
Coding change: c.557A>T on transcript NM_181507.2 (MANE Select); coding-DNA position 557, A replaced by T.
Protein change: p.Asp186Val; replaces aspartic acid 186 with valine.
Molecular consequence: missense variant.
Genome position (GRCh38, 1-based): chr11:18,309,000, T>A on the plus strand (A>T on the coding strand, the complement: HPS5 is on the minus strand). VCF-style: chr11-18309000-T-A. GRCh37 (hg19) VCF-style: chr11-18330547-T-A.
Other names: c.215A>T, p.Asp72Val (NM_007216.4, NM_181508.2); short protein forms D186V, D72V.
Identifiers: ClinVar variation 2111637 (VCV002111637.4), dbSNP rs1862667329, ClinGen allele CA379503880.
Genomic context (GRCh38, chr11:18,309,000, plus strand): 5'-ATATACCTCTCAGTGTCACACAAGAAGGATCGAGTAAGTGAAGATATAAGTAGCCTTCCA[T>A]CCAAATAATCTAACTGTACAACACAGGAGTCAACAGTTGTGATTGTCTGAACAGGAAACA-3'
Protein context (NP_852608.1, residues 176-196): DSCVVQLDYL[Asp186Val]GRLLISSLTR

ClinVar aggregate classification (germline): Uncertain significance (1 of 4 stars; one submission).

Allele frequency attached by ClinVar (database versions not stated): TOPMed below 0.00001.

Submission:

Labcorp Genetics (formerly Invitae), Labcorp
Classification: Uncertain significance. Last evaluated: 2022-05-02. Review status: criteria provided, single submitter. Criteria: Invitae Variant Classification Sherloc (09022015). Collection method: clinical testing. Allele origin: germline.
Comment: This sequence change replaces aspartic acid, which is acidic and polar, with valine, which is neutral and non-polar, at codon 186 of the HPS5 protein (p.Asp186Val). This variant is not present in population databases (gnomAD no frequency). In summary, the available evidence is currently insufficient to determine the role of this variant in disease. Therefore, it has been classified as a Variant of Uncertain Significance. Algorithms developed to predict the effect of sequence changes on RNA splicing suggest that this variant may disrupt the consensus splice site. Algorithms developed to predict the effect of missense changes on protein structure and function are either unavailable or do not agree on the potential impact of this missense change (SIFT: "Deleterious"; PolyPhen-2: "Probably Damaging"; Align-GVGD: "Class C0"). This variant has not been reported in the literature in individuals affected with HPS5-related conditions.